The following is an entry in ClinVar:

ClinVar aggregate classification (germline): Uncertain significance (1 of 4 stars; one submission).

Allele frequency attached by ClinVar (database versions not stated): ExAC 0.00001.
gnomAD v4.1: 4 of 1,613,620 alleles (0.00025%); highest among the groups gnomAD compares: Non-Finnish European, 0.00034%; no homozygotes.

Submission:

Labcorp Genetics (formerly Invitae), Labcorp
Classification: Uncertain significance. Last evaluated: 2023-09-29. Review status: criteria provided, single submitter. Criteria: Invitae Variant Classification Sherloc (09022015). Collection method: clinical testing. Allele origin: germline.
Comment: This sequence change replaces glutamic acid, which is acidic and polar, with glutamine, which is neutral and polar, at codon 517 of the OPA1 protein (p.Glu517Gln). This variant is present in population databases (rs748215343, gnomAD 0.0009%). In summary, the available evidence is currently insufficient to determine the role of this variant in disease. Therefore, it has been classified as a Variant of Uncertain Significance. Advanced modeling of protein sequence and biophysical properties (such as structural, functional, and spatial information, amino acid conservation, physicochemical variation, residue mobility, and thermodynamic stability) performed at Invitae indicates that this missense variant is not expected to disrupt OPA1 protein function. This variant has not been reported in the literature in individuals affected with OPA1-related conditions.

NM_130837.3(OPA1):c.1714G>C (p.Glu572Gln)

Gene: OPA1 (OPA1 mitochondrial dynamin like GTPase; plus strand). Cytogenetic location: 3q29.
Variant type: single nucleotide variant.
Coding change: c.1714G>C on transcript NM_130837.3 (MANE Select); coding-DNA position 1714, G replaced by C.
Protein change: p.Glu572Gln; replaces glutamic acid 572 with glutamine.
Molecular consequence: missense variant.
Genome position (GRCh38, 1-based): chr3:193,645,760, G>C. VCF-style: chr3-193645760-G-C. GRCh37 (hg19) VCF-style: chr3-193363549-G-C.
Other names: c.1180G>C, p.Glu394Gln (NM_001354663.2); c.1177G>C, p.Glu393Gln (NM_001354664.2); c.1549G>C, p.Glu517Gln (NM_015560.3); c.1441G>C, p.Glu481Gln (NM_130831.3); c.1495G>C, p.Glu499Gln (NM_130832.3); c.1552G>C, p.Glu518Gln (NM_130833.3); c.1603G>C, p.Glu535Gln (NM_130834.3); c.1606G>C, p.Glu536Gln (NM_130835.3); and 1 more; short protein forms E535Q, E554Q, E572Q, E517Q, E536Q, E394Q, E481Q, E518Q.
Identifiers: ClinVar variation 2778930 (VCV002778930.3), dbSNP rs748215343, ClinGen allele CA2759460.
Genomic context (GRCh38, chr3:193,645,760, plus strand): 5'-TGAAAATTTGACCATCATTCTTCCCCAGGGAACAGCTCTGAAAGCATTGAAGCTATAAGA[G>C]AATATGAAGAAGAGTTTTTTCAGAATTCAAAGCTCCTAAAGTAGGTATCTTGTTAAAACA-3'
Protein context (NP_570850.2, residues 562-582): NSSESIEAIR[Glu572Gln]YEEEFFQNSK